The following is an entry in ClinVar:

NM_018127.7(ELAC2):c.1812G>T (p.Met604Ile)

Gene: ELAC2 (elaC ribonuclease Z 2; minus strand). Cytogenetic location: 17p12.
Variant type: single nucleotide variant.
Coding change: c.1812G>T on transcript NM_018127.7 (MANE Select); coding-DNA position 1812, G replaced by T.
Protein change: p.Met604Ile; replaces methionine 604 with isoleucine.
Molecular consequence: missense variant.
Genome position (GRCh38, 1-based): chr17:12,995,059, C>A on the plus strand (G>T on the coding strand, the complement: ELAC2 is on the minus strand). VCF-style: chr17-12995059-C-A. GRCh37 (hg19) VCF-style: chr17-12898376-C-A.
Other names: c.1692G>T, p.Met564Ile (NM_001165962.2); c.1809G>T, p.Met603Ile (NM_173717.2); short protein forms M564I, M604I, M603I.
Identifiers: ClinVar variation 3653682 (VCV003653682.2).
Genomic context (GRCh38, chr17:12,995,059, plus strand): 5'-CAATCTTTCCACTGCAGGACTGGAGATCTCAGCCCCTTCCTGAAGGCATTTGGCAGGAAT[C>A]ATACTGTAAAAAGACAAAACATTTAAAATGATAATAAACGTTTCTTGGACATCTGGAACC-3'
Protein context (NP_060597.4, residues 594-614): QCQEVLHHIS[Met604Ile]IPAKCLQEGA

ClinVar aggregate classification (germline): Uncertain significance (1 of 4 stars; one submission).

Conditions:
Combined oxidative phosphorylation defect type 17. Also called: Combined oxidative phosphorylation deficiency 17. Identifiers: Orphanet 369913, MedGen C3809526, MONDO:0014190, OMIM 615440.

Submission:

Labcorp Genetics (formerly Invitae), Labcorp
Classification: Uncertain significance for Combined oxidative phosphorylation defect type 17. Last evaluated: 2024-05-17. Review status: criteria provided, single submitter. Criteria: Invitae Variant Classification Sherloc (09022015). Collection method: clinical testing. Allele origin: germline.
Comment: This sequence change replaces methionine, which is neutral and non-polar, with isoleucine, which is neutral and non-polar, at codon 604 of the ELAC2 protein (p.Met604Ile). This variant is not present in population databases (gnomAD no frequency). This variant has not been reported in the literature in individuals affected with ELAC2-related conditions. Advanced modeling of protein sequence and biophysical properties (such as structural, functional, and spatial information, amino acid conservation, physicochemical variation, residue mobility, and thermodynamic stability) performed at Invitae indicates that this missense variant is not expected to disrupt ELAC2 protein function with a negative predictive value of 80%. In summary, the available evidence is currently insufficient to determine the role of this variant in disease. Therefore, it has been classified as a Variant of Uncertain Significance.